The following is an entry in ClinVar:

ClinVar aggregate classification (germline): Benign/Likely benign. Review status: criteria provided, multiple submitters, no conflicts (2 of 4 stars). 3 submissions from 3 submitters: Benign (2); Likely benign (1). Last evaluated 2022-11-01.

Allele frequency attached by ClinVar (database versions not stated): 1000 Genomes Project 0.00220; 1000 Genomes Project 30x 0.00265; ExAC 0.00500; gnomAD exomes 0.00512 and 0.00762; gnomAD 0.00559; TOPMed 0.00583; ESP Exome Variant Server 0.00600.
gnomAD v4.1: 11,900 of 1,613,810 alleles (0.74%); highest among the groups gnomAD compares: Non-Finnish European, 0.91%; 61 homozygotes.

Submissions (3):

CeGaT Center for Human Genetics Tuebingen
Classification: Likely benign. Last evaluated: 2022-11-01. Review status: criteria provided, single submitter. Criteria: CeGaT Center For Human Genetics Tuebingen Variant Classification Criteria Version 2. Collection method: clinical testing. Allele origin: germline. Affected: yes. Observed: 1 variant allele.
Comment: SLC9D1: BP4, BP7, BS2

Labcorp Genetics (formerly Invitae), Labcorp
Classification: Benign. Last evaluated: 2018-12-18. Review status: criteria provided, single submitter. Criteria: Invitae Variant Classification Sherloc (09022015). Collection method: clinical testing. Allele origin: germline.

Breakthrough Genomics
Classification: Benign. Review status: criteria provided, single submitter. Criteria: ACMG Guidelines, 2015. Collection method: not provided. Allele origin: germline. Inheritance: Unknown mechanism. Affected: yes.

NM_017905.6(SLC9D1):c.1308G>A (p.Pro436=)

Gene: SLC9D1 (solute carrier family 9 member D1; plus strand). Cytogenetic location: 13q34.
Variant type: single nucleotide variant.
Coding change: c.1308G>A on transcript NM_017905.6 (MANE Select); coding-DNA position 1308, G replaced by A.
Protein change: p.Pro436=; no amino-acid change (proline 436 retained).
Molecular consequence: synonymous variant. On other transcripts: non-coding transcript variant (2), intron variant (2).
Genome position (GRCh38, 1-based): chr13:113,520,698, G>A. VCF-style: chr13-113520698-G-A. GRCh37 (hg19) VCF-style: chr13-114175013-G-A.
Other names: c.1308G>A, p.Pro436= (NM_001349741.2, NM_001349744.2); c.1116G>A, p.Pro372= (NM_001349742.2, NM_001349745.2); c.1039-13347G>A (NM_001349746.2); c.847-13347G>A (NM_001349743.2).
Identifiers: ClinVar variation 784275 (VCV000784275.28), dbSNP rs148880361, ClinGen allele CA7064644.